The following is an entry in ClinVar:

ClinVar aggregate classification (germline): Conflicting classifications of pathogenicity. Review status: criteria provided, conflicting classifications (1 of 4 stars). 2 submissions from 2 submitters: Uncertain significance (1); Likely benign (1). Last evaluated 2024-11-17.

Allele frequency attached by ClinVar (database versions not stated): gnomAD exomes below 0.00001; gnomAD 0.00002; TOPMed 0.00002; ESP Exome Variant Server 0.00015.
gnomAD v4.1: 5 of 1,614,076 alleles (0.00031%); highest among the groups gnomAD compares: African/African-American, 0.0067%; no homozygotes.

Submissions (2):

Ambry Genetics
Classification: Likely benign. Last evaluated: 2024-11-17. Review status: criteria provided, single submitter. Criteria: Ambry Variant Classification Scheme 2023. Collection method: clinical testing. Allele origin: germline.

Labcorp Genetics (formerly Invitae), Labcorp
Classification: Uncertain significance. Last evaluated: 2023-08-03. Review status: criteria provided, single submitter. Criteria: Invitae Variant Classification Sherloc (09022015). Collection method: clinical testing. Allele origin: germline.
Comment: This variant is present in population databases (rs374538550, gnomAD 0.02%). This sequence change replaces methionine, which is neutral and non-polar, with valine, which is neutral and non-polar, at codon 522 of the ATRIP protein (p.Met522Val). This variant has not been reported in the literature in individuals affected with ATRIP-related conditions. Algorithms developed to predict the effect of missense changes on protein structure and function output the following: SIFT: "Not Available"; PolyPhen-2: "Benign"; Align-GVGD: "Not Available". The valine amino acid residue is found in multiple mammalian species, which suggests that this missense change does not adversely affect protein function. In summary, the available evidence is currently insufficient to determine the role of this variant in disease. Therefore, it has been classified as a Variant of Uncertain Significance.

NM_130384.3(ATRIP):c.1564A>G (p.Met522Val)

Genes: ATRIP (ATR interacting protein; plus strand), ATRIP-TREX1 (ATRIP-TREX1 readthrough; plus strand). Cytogenetic location: 3p21.31.
Variant type: single nucleotide variant.
Coding change: c.1564A>G on transcript NM_130384.3 (MANE Select); coding-DNA position 1564, A replaced by G.
Protein change: p.Met522Val; replaces methionine 522 with valine.
Molecular consequence: missense variant. On other transcripts: non-coding transcript variant (1).
Genome position (GRCh38, 1-based): chr3:48,460,618, A>G. VCF-style: chr3-48460618-A-G. GRCh37 (hg19) VCF-style: chr3-48502017-A-G.
Other names: c.1183A>G, p.Met395Val (NM_001271022.2); c.1285A>G, p.Met429Val (NM_001271023.2); c.1564A>G, p.Met522Val (NM_032166.4); c.1564A>G (NM_130384.1); short protein forms M429V, M522V, M395V.
Identifiers: ClinVar variation 2975419 (VCV002975419.5), dbSNP rs374538550, ClinGen allele CA73973586.